The following is an entry in ClinVar:

NM_004797.4(ADIPOQ):c.273C>A (p.Pro91=)

Genes: ADIPOQ (adiponectin, C1Q and collagen domain containing; plus strand), ADIPOQ-AS1 (ADIPOQ antisense RNA 1; minus strand). Cytogenetic location: 3q27.3.
Variant type: single nucleotide variant.
Coding change: c.273C>A on transcript NM_004797.4 (MANE Select); coding-DNA position 273, C replaced by A.
Protein change: p.Pro91=; no amino-acid change (proline 91 retained).
Molecular consequence: synonymous variant. On other transcripts: non-coding transcript variant (1).
Genome position (GRCh38, 1-based): chr3:186,854,242, C>A. VCF-style: chr3-186854242-C-A. GRCh37 (hg19) VCF-style: chr3-186572031-C-A.
Other names: c.273C>A, p.Pro91= (NM_001177800.2).
Identifiers: ClinVar variation 3046662 (VCV003046662.2), dbSNP rs201912491, ClinGen allele CA2747965.

ClinVar aggregate classification (germline): Likely benign (0 of 4 stars; one submission).

Conditions:
ADIPOQ-related disorder. Also called: ADIPOQ-related condition.

Allele frequency attached by ClinVar (database versions not stated): TOPMed 0.00003; ExAC 0.00004; ESP Exome Variant Server 0.00008.
gnomAD v4.1: 45 of 1,613,454 alleles (0.0028%); highest among the groups gnomAD compares: Middle Eastern, 0.066%; no homozygotes.

Submission:

PreventionGenetics, part of Exact Sciences
Classification: Likely benign for ADIPOQ-related condition. Last evaluated: 2019-02-28. Review status: no assertion criteria provided. Collection method: clinical testing. Allele origin: germline.
Comment: This variant is classified as likely benign based on ACMG/AMP sequence variant interpretation guidelines (Richards et al. 2015 PMID: 25741868, with internal and published modifications).